The following is an entry in ClinVar:

NM_001374736.1(DST):c.21636T>G (p.Ile7212Met)

Gene: DST (dystonin; minus strand). Cytogenetic location: 6p12.1.
Variant type: single nucleotide variant.
Coding change: c.21636T>G on transcript NM_001374736.1 (MANE Select); coding-DNA position 21636, T replaced by G.
Protein change: p.Ile7212Met; replaces isoleucine 7212 with methionine.
Molecular consequence: missense variant.
Genome position (GRCh38, 1-based): chr6:56,477,384, A>C on the plus strand (T>G on the coding strand, the complement: DST is on the minus strand). VCF-style: chr6-56477384-A-C. GRCh37 (hg19) VCF-style: chr6-56342182-A-C.
Other names: c.15279T>G, p.Ile5093Met (NM_001144769.5); c.14865T>G, p.Ile4955Met (NM_001144770.2); c.21636T>G, p.Ile7212Met (NM_001374722.1); c.20676T>G, p.Ile6892Met (NM_001374729.1); c.14418T>G, p.Ile4806Met (NM_001374730.1); c.21663T>G, p.Ile7221Met (NM_001374734.1); c.14745T>G, p.Ile4915Met (NM_001386100.1, NM_183380.4); c.13767T>G, p.Ile4589Met (NM_015548.5); short protein forms I4806M, I5093M, I7212M, I4915M, I4955M, I6892M, I7221M, I4589M.
Identifiers: ClinVar variation 1499689 (VCV001499689.6), dbSNP rs2152411978, ClinGen allele CA364510993.

ClinVar aggregate classification (germline): Uncertain significance (1 of 4 stars; one submission).

Conditions:
Epidermolysis bullosa simplex 3, localized or generalized intermediate, with BP230 deficiency (EBS3). Also called: Epidermolysis bullosa simplex due to BP230 deficiency; Epidermolysis bullosa simplex, autosomal recessive 2. Identifiers: Orphanet 412181, MedGen C3809470, MONDO:0014180, OMIM 615425.
Hereditary sensory and autonomic neuropathy type 6. Also called: Neuropathy, hereditary sensory and autonomic, type VI; HSAN VI. Identifiers: Orphanet 314381, MedGen C3539003, MONDO:0013839, OMIM 614653.

gnomAD v4.1: 1 of 1,613,964 alleles (0.000062%); highest among the groups gnomAD compares: Non-Finnish European, 0.000085%; no homozygotes.

Submission:

Labcorp Genetics (formerly Invitae), Labcorp
Classification: Uncertain significance for Epidermolysis bullosa simplex 3, localized or generalized intermediate, with BP230 deficiency; Hereditary sensory and autonomic neuropathy type 6. Last evaluated: 2021-02-28. Review status: criteria provided, single submitter. Criteria: Invitae Variant Classification Sherloc (09022015). Collection method: clinical testing. Allele origin: germline.
Comment: In summary, the available evidence is currently insufficient to determine the role of this variant in disease. Therefore, it has been classified as a Variant of Uncertain Significance. Experimental studies and prediction algorithms are not available or were not evaluated, and the functional significance of this variant is currently unknown. This variant has not been reported in the literature in individuals with DST-related conditions. This variant is not present in population databases (ExAC no frequency). This sequence change replaces isoleucine with methionine at codon 4589 of the DST protein (p.Ile4589Met). The DST gene has multiple clinically relevant transcripts. This variant occurs in alternate transcript NM_015548.4, and corresponds to NM_001723.5:c.*138133T>G in the primary transcript.